The following is an entry in ClinVar:

NM_001079872.2(CUL4B):c.1852G>C (p.Glu618Gln)

Gene: CUL4B (cullin 4B; minus strand). Cytogenetic location: Xq24.
Variant type: single nucleotide variant.
Coding change: c.1852G>C on transcript NM_001079872.2 (MANE Select); coding-DNA position 1852, G replaced by C.
Protein change: p.Glu618Gln; replaces glutamic acid 618 with glutamine.
Molecular consequence: missense variant.
Genome position (GRCh38, 1-based): chrX:120,538,660, C>G on the plus strand (G>C on the coding strand, the complement: CUL4B is on the minus strand). VCF-style: chrX-120538660-C-G. GRCh37 (hg19) VCF-style: chrX-119672515-C-G.
Other names: c.1906G>C, p.Glu636Gln (NM_003588.4); c.1867G>C, p.Glu623Gln (NM_001330624.2); c.1318G>C, p.Glu440Gln (NM_001369145.1); short protein forms E440Q, E618Q, E623Q, E636Q.
Identifiers: ClinVar variation 3376176 (VCV003376176.1).
Genomic context (GRCh38, chrX:120,538,660, plus strand): 5'-AAAAGCTAACATTCTCCTTCAGGAATCAAAGAAAAGGAACAGAAAGAATGAGAAACCTAC[C>G]ATGTTTAAGTTTGGACAGCATTGATTTTTCAGCATCTACAGATGCACTCTTTCCGACTAA-3'
Protein context (NP_001073341.1, residues 608-628): EKSMLSKLKH[Glu618Gln]CGAAFTSKLE

ClinVar aggregate classification (germline): Uncertain significance (1 of 4 stars; one submission).

Conditions:
X-linked intellectual disability Cabezas type (MRXSC). Also called: CABEZAS SYNDROME; MENTAL RETARDATION, X-LINKED, SYNDROMIC 15; Intellectual developmental disorder, X-linked syndromic, Cabezas type. Identifiers: Orphanet 85289, Orphanet 85293, MedGen C1845861, MONDO:0010306, OMIM 300354.

Submission:

Pittsburgh Clinical Genomics Laboratory, University of Pittsburgh Medical Center
Classification: Uncertain significance for X-linked intellectual disability Cabezas type. Last evaluated: 2023-02-28. Review status: criteria provided, single submitter. Criteria: ACMG Guidelines, 2015. Collection method: clinical testing. Allele origin: germline. Inheritance: X-linked recessive inheritance. Affected: yes.
Comment: This sequence variant is a single nucleotide substitution (G>C) of coding nucleotides 1852 of the CUL4B gene which results in a glutamic acid to glutamine amino acid change at residue 618 in the CUL4B protein. This is a novel variant which has not been reported in clinical genetics databases or observed in the medical literature in individuals with CUL4B-related disease, to our knowledge. This variant is absent from the gnomAD control population dataset (0/~181400 alleles). This variant is predicted to disrupt the normal function of the exon 13 splicing donor site; however, this prediction has not been confirmed with in vitro or in vivo functiol studies, to our knowledge. Additiolly, multiple bioinformatic tools predict that this glutamic acid to glutamine amino acid change will be damaging, and glutamic acid is highly conserved at this position in vertebrates. Based on the available evidence, we consider this to be a variant of uncertain significance. ACMG Criteria: PM2, PP3